The following is an entry in ClinVar:

NM_000069.3(CACNA1S):c.5135G>A (p.Gly1712Glu)

Gene: CACNA1S (calcium voltage-gated channel subunit alpha1 S; minus strand). Cytogenetic location: 1q32.1.
Variant type: single nucleotide variant.
Coding change: c.5135G>A on transcript NM_000069.3 (MANE Select); coding-DNA position 5135, G replaced by A.
Protein change: p.Gly1712Glu; replaces glycine 1712 with glutamic acid.
Molecular consequence: missense variant.
Genome position (GRCh38, 1-based): chr1:201,040,713, C>T on the plus strand (G>A on the coding strand, the complement: CACNA1S is on the minus strand). VCF-style: chr1-201040713-C-T. GRCh37 (hg19) VCF-style: chr1-201009841-C-T.
Other names: short protein forms G1712E.
Identifiers: ClinVar variation 4756246 (VCV004756246.1).

ClinVar aggregate classification (germline): Uncertain significance (1 of 4 stars; one submission).

Conditions:
Malignant hyperthermia, susceptibility to, 5 (MHS5). Also called: CACNA1S-Related Malignant Hyperthermia Susceptibility. Identifiers: Orphanet 423, MedGen C1866077, MONDO:0011163, OMIM 601887.

Submission:

Color Diagnostics, LLC DBA Color Health
Classification: Uncertain significance for Malignant hyperthermia, susceptibility to, 5. Last evaluated: 2025-08-22. Review status: criteria provided, single submitter. Criteria: ACMG Guidelines, 2015. Collection method: clinical testing. Allele origin: germline.
Comment: This missense variant replaces glycine with glutamic acid at codon 1712 of the CACNA1S protein. Computational prediction suggests that this variant may not impact protein structure and function. To our knowledge, functional studies have not been reported for this variant. This variant has not been reported in individuals affected with CACNA1S-related disorders in the literature. This variant has not been identified in the general population by the Genome Aggregation Database (gnomAD). The available evidence is insufficient to determine the role of this variant in disease conclusively. Therefore, this variant is classified as a Variant of Uncertain Significance.